The following is an entry in ClinVar:

ClinVar aggregate classification (germline): Pathogenic. Review status: criteria provided, multiple submitters, no conflicts (2 of 4 stars). 4 submissions from 4 submitters: Pathogenic (3). 1 of the submissions does not count toward it. Last evaluated 2024-07-18.

Conditions:
RPGR-related disorder. Also called: RPGR-related condition.
Primary ciliary dyskinesia. Also called: Ciliary dyskinesia. Identifiers: Orphanet 244, MedGen C0008780, MONDO:0016575, HP:0012265.
Retinitis pigmentosa 3. Also called: CHOROIDORETINAL DEGENERATION WITH RETINAL REFLEX IN HETEROZYGOUS WOMEN. Identifiers: Orphanet 791, MedGen C1845667, MONDO:0010227, OMIM 300029.
Retinitis pigmentosa (RP). Identifiers: Orphanet 791, MedGen C0035334, MeSH D012174, MONDO:0019200, OMIM 268000. Inheritance: Autosomal dominant, autosomal recessive and X linked inheritance.

Submissions (4):

Blueprint Genetics
Classification: Pathogenic for RPGR-related disorders. Last evaluated: 2024-07-18. Review status: criteria provided, single submitter. Criteria: ACMG Guidelines, 2015. Collection method: clinical testing. Allele origin: germline. Affected: yes. Observed: 3 variant alleles.

Institute of Medical Genetics and Applied Genomics, University Hospital Tübingen
Classification: Pathogenic for Retinitis pigmentosa 3. Last evaluated: 2023-09-25. Review status: criteria provided, single submitter. Criteria: ACMG Guidelines, 2015. Collection method: clinical testing. Allele origin: germline. Inheritance: X-linked dominant inheritance. Affected: yes.

Labcorp Genetics (formerly Invitae), Labcorp
Classification: Pathogenic for Primary ciliary dyskinesia. Last evaluated: 2022-07-13. Review status: criteria provided, single submitter. Criteria: Invitae Variant Classification Sherloc (09022015). Collection method: clinical testing. Allele origin: germline.
Comment: This variant disrupts a region of the RPGR (ORF15) protein in which other variant(s) (p.Leu1130Lysfs*13) have been determined to be pathogenic (PMID: 22264887; Invitae). This suggests that this is a clinically significant region of the protein, and that variants that disrupt it are likely to be disease-causing. For these reasons, this variant has been classified as Pathogenic. ClinVar contains an entry for this variant (Variation ID: 812415). This sequence change creates a premature translational stop signal (p.Gln725*) in the RPGR (ORF15) gene. While this is not anticipated to result in nonsense mediated decay, it is expected to disrupt the last 428 amino acid(s) of the RPGR (ORF15) protein. This variant is not present in population databases (gnomAD no frequency). This premature translational stop signal has been observed in individual(s) with retinitis pigmentosa (PMID: 12402343, 31456290). This variant is also known as g.ORF15+420C>T; Q140X.

Sharon lab, Hadassah-Hebrew University Medical Center
Classification: Pathogenic for Retinitis pigmentosa. Last evaluated: 2019-06-23. Review status: no assertion criteria provided. Collection method: research. Allele origin: inherited. Affected: yes. Not counted in ClinVar's aggregate classification.

Literature cited by the submitters: PubMed 22264887 (cited by Labcorp Genetics (formerly Invitae), Labcorp); PubMed 12402343 (cited by Labcorp Genetics (formerly Invitae), Labcorp); PubMed 31456290 (cited by Labcorp Genetics (formerly Invitae), Labcorp).

NM_001034853.2(RPGR):c.2173C>T (p.Gln725Ter)

Gene: RPGR (retinitis pigmentosa GTPase regulator; minus strand). Cytogenetic location: Xp11.4.
Variant type: single nucleotide variant.
Coding change: c.2173C>T on transcript NM_001034853.2 (MANE Select); coding-DNA position 2173, C replaced by T.
Protein change: p.Gln725Ter; replaces glutamine 725 with a stop codon.
Molecular consequence: nonsense. On other transcripts: intron variant (8).
Genome position (GRCh38, 1-based): chrX:38,286,826, G>A on the plus strand (C>T on the coding strand, the complement: RPGR is on the minus strand). VCF-style: chrX-38286826-G-A. GRCh37 (hg19) VCF-style: chrX-38146079-G-A.
Other names: c.1569+4133C>T (NM_001367249.1, NM_001367250.1); c.1902+268C>T (NM_001367245.1); c.1386+4133C>T (NM_001367251.1); c.1719+268C>T (NM_001367246.1); c.1572+4133C>T (NM_001367247.1); c.1905+268C>T (NM_000328.3); c.1602+4133C>T (NM_001367248.1); short protein forms Q725*.
Identifiers: ClinVar variation 812415 (VCV000812415.8), dbSNP rs907856232, ClinGen allele CA412731273.
Genomic context (GRCh38, chrX:38,286,826, plus strand): 5'-TGTCTCCCTCCTCTTCTTCTCCTTCTCCATGCTCCTCCTCCCCTCCCTCCTCCATCTCTT[G>A]GTTTCTTTCCTTCTGATGGCCCTGCTCCCTCTCCTTTTGCTCCTGCTCTTCCCCATCCCT-3'